The following is an entry in ClinVar:

ClinVar aggregate classification (germline): Uncertain significance. Review status: criteria provided, multiple submitters, no conflicts (2 of 4 stars). 2 submissions from 2 submitters: Uncertain significance (2). Last evaluated 2023-02-27.

Conditions:
Dyschromatosis universalis hereditaria 1 (DUH1). Identifiers: MedGen C2675711, MONDO:0024524, OMIM 127500.
Cancer, alopecia, pigment dyscrasia, onychodystrophy, and keratoderma (CAPOK). Also called: CAPOK SYNDROME. Identifiers: MedGen C5193062, OMIM 618373.
Inborn genetic diseases. Identifiers: MedGen C0950123, MeSH D030342.

Allele frequency attached by ClinVar (database versions not stated): ExAC 0.00002; gnomAD 0.00001.
gnomAD v4.1: 17 of 1,614,004 alleles (0.0011%); highest among the groups gnomAD compares: Non-Finnish European, 0.0014%; no homozygotes.

Submissions (2):

Ambry Genetics
Classification: Uncertain significance for Inborn genetic diseases. Last evaluated: 2023-02-27. Review status: criteria provided, single submitter. Criteria: Ambry Variant Classification Scheme 2023. Collection method: clinical testing. Allele origin: germline.

Juno Genomics, Hangzhou Juno Genomics, Inc
Classification: Uncertain significance for Cancer, alopecia, pigment dyscrasia, onychodystrophy, and keratoderma; Dyschromatosis universalis hereditaria 1. Review status: criteria provided, single submitter. Criteria: ACMG Guidelines, 2015. Collection method: clinical testing. Allele origin: germline.
Comment: Absent from controls (or at extremely low frequency if recessive) in Genome Aggregation Database.;Multiple lines of computational evidence support a deleterious effect on the gene or gene product.

NM_015278.5(SASH1):c.3568G>A (p.Gly1190Ser)

Gene: SASH1 (SAM and SH3 domain containing 1; plus strand). Cytogenetic location: 6q25.1.
Variant type: single nucleotide variant.
Coding change: c.3568G>A on transcript NM_015278.5 (MANE Select); coding-DNA position 3568, G replaced by A.
Protein change: p.Gly1190Ser; replaces glycine 1190 with serine.
Molecular consequence: missense variant.
Genome position (GRCh38, 1-based): chr6:148,548,382, G>A. VCF-style: chr6-148548382-G-A. GRCh37 (hg19) VCF-style: chr6-148869518-G-A.
Other names: c.3433G>A, p.Gly1145Ser (NM_001346505.2); c.3196G>A, p.Gly1066Ser (NM_001346506.2); c.2851G>A, p.Gly951Ser (NM_001346507.2); c.3340G>A, p.Gly1114Ser (NM_001346508.2); c.3217G>A, p.Gly1073Ser (NM_001346509.2); short protein forms G951S, G1145S, G1066S, G1073S, G1114S, G1190S.
Identifiers: ClinVar variation 2472035 (VCV002472035.4), dbSNP rs778743276, ClinGen allele CA4040915.